The following is an entry in ClinVar:

NM_001267550.2(TTN):c.67179del (p.Lys22393fs)

Genes: TTN-AS1 (TTN antisense RNA 1; plus strand), TTN (titin; minus strand). Cytogenetic location: 2q31.2.
Variant type: Deletion.
Coding change: c.67179del on transcript NM_001267550.2 (MANE Select); coding-DNA position 67179, one base deleted (A; older notation c.67179delA).
Protein change: p.Lys22393fs; shifts the reading frame from lysine 22393.
Molecular consequence: frameshift variant.
Genome position (GRCh38, 1-based): chr2:178,580,108, T deleted on the plus strand (A on the coding strand, the reverse complement: TTN is on the minus strand); the first of 5 consecutive T bases (chr2:178,580,108-178,580,112); deleting any one gives the same sequence. VCF-style (leftmost placement, unchanged base first): chr2-178580107-GT-G. GRCh37 (hg19) VCF-style: chr2-179444834-GT-G.
Other names: c.62256del, p.Lys20752fs (NM_001256850.1); c.39984del, p.Lys13328fs (NM_003319.4); c.59475del, p.Lys19825fs (NM_133378.4); c.40359del, p.Lys13453fs (NM_133432.3); c.40560del, p.Lys13520fs (NM_133437.4); short protein forms K13328fs, K13453fs, K13520fs, K19825fs, K20752fs, K22393fs.
Identifiers: ClinVar variation 3757764 (VCV003757764.2).

ClinVar aggregate classification (germline): Likely pathogenic (1 of 4 stars; one submission).

Conditions:
Dilated cardiomyopathy 1G (CMD1G). Identifiers: Orphanet 154, MedGen C1858763, MONDO:0011400, OMIM 604145.
Autosomal recessive limb-girdle muscular dystrophy type 2J (LGMDR10). Also called: Limb-girdle muscular dystrophy, type 2J; MUSCULAR DYSTROPHY, LIMB-GIRDLE, AUTOSOMAL RECESSIVE 10. Identifiers: Orphanet 140922, MedGen C1837342, MONDO:0012127, OMIM 608807.

Submission:

Labcorp Genetics (formerly Invitae), Labcorp
Classification: Likely pathogenic for Dilated cardiomyopathy 1G; Autosomal recessive limb-girdle muscular dystrophy type 2J. Last evaluated: 2024-08-20. Review status: criteria provided, single submitter. Criteria: Invitae Variant Classification Sherloc (09022015). Collection method: clinical testing. Allele origin: germline.
Comment: This sequence change creates a premature translational stop signal (p.Lys22393Asnfs*12) in the TTN gene. While this is not anticipated to result in nonsense mediated decay, it is expected to create a truncated TTN protein. This variant is not present in population databases (gnomAD no frequency). This variant has not been reported in the literature in individuals affected with TTN-related conditions. This variant is located in the A band of TTN (PMID: 25589632). Truncating variants in this region are significantly overrepresented in patients affected with dilated cardiomyopathy (PMID: 25589632). Truncating variants in this region have also been reported in individuals affected with autosomal recessive centronuclear myopathy (PMID: 23975875). In summary, the currently available evidence indicates that the variant is pathogenic, but additional data are needed to prove that conclusively. Therefore, this variant has been classified as Likely Pathogenic.

Literature cited by the submitters: PubMed 25589632; PubMed 23975875.